The following is an entry in ClinVar:

ClinVar aggregate classification (germline): Uncertain significance (1 of 4 stars; one submission).

Conditions:
Lower motor neuron syndrome with late-adult onset (SMAJ). Also called: Spinal muscular atrophy, Jokela type; Late-Onset Spinal Motor Neuronopathy (SMAJ). Identifiers: Orphanet 276435, MedGen C3554398, MONDO:0014025, OMIM 615048.
Frontotemporal dementia and/or amyotrophic lateral sclerosis 2. Also called: FTDALS2. Identifiers: Orphanet 275872, MedGen C4014648, MONDO:0014395, OMIM 615911.
Autosomal dominant mitochondrial myopathy with exercise intolerance (IMMD). Also called: Myopathy, isolated mitochondrial, autosomal dominant. Identifiers: Orphanet 457050, MedGen C4015513, MONDO:0014532, OMIM 616209.

Allele frequency attached by ClinVar (database versions not stated): TOPMed 0.00001; gnomAD 0.00001.
gnomAD v4.1: 2 of 1,613,592 alleles (0.00012%); highest among the groups gnomAD compares: Admixed American, 0.0033%; no homozygotes.

Submission:

Labcorp Genetics (formerly Invitae), Labcorp
Classification: Uncertain significance for Lower motor neuron syndrome with late-adult onset; Frontotemporal dementia and/or amyotrophic lateral sclerosis 2; Autosomal dominant mitochondrial myopathy with exercise intolerance. Last evaluated: 2022-08-31. Review status: criteria provided, single submitter. Criteria: Invitae Variant Classification Sherloc (09022015). Collection method: clinical testing. Allele origin: germline.
Comment: This sequence change creates a premature translational stop signal (p.Tyr134*) in the CHCHD10 gene. While this is not anticipated to result in nonsense mediated decay, it is expected to disrupt the last 9 amino acid(s) of the CHCHD10 protein. This variant is not present in population databases (gnomAD no frequency). This variant has not been reported in the literature in individuals affected with CHCHD10-related conditions. Experimental studies and prediction algorithms are not available or were not evaluated, and the functional significance of this variant is currently unknown. In summary, the available evidence is currently insufficient to determine the role of this variant in disease. Therefore, it has been classified as a Variant of Uncertain Significance.

NM_213720.3(CHCHD10):c.402C>A (p.Tyr134Ter)

Gene: CHCHD10 (coiled-coil-helix-coiled-coil-helix domain containing 10; minus strand). Cytogenetic location: 22q11.23.
Variant type: single nucleotide variant.
Coding change: c.402C>A on transcript NM_213720.3 (MANE Select); coding-DNA position 402, C replaced by A.
Protein change: p.Tyr134Ter; replaces tyrosine 134 with a stop codon.
Molecular consequence: nonsense. On other transcripts: non-coding transcript variant (2).
Genome position (GRCh38, 1-based): chr22:23,766,135, G>T on the plus strand (C>A on the coding strand, the complement: CHCHD10 is on the minus strand). VCF-style: chr22-23766135-G-T. GRCh37 (hg19) VCF-style: chr22-24108322-G-T.
Other names: c.423C>A, p.Tyr141Ter (NM_001301339.2); short protein forms Y134*, Y141*.
Identifiers: ClinVar variation 1930456 (VCV001930456.5), dbSNP rs1441366419, ClinGen allele CA410914034.